The following is an entry in ClinVar:

ClinVar aggregate classification (germline): Uncertain significance. Review status: criteria provided, multiple submitters, no conflicts (2 of 4 stars). 2 submissions from 2 submitters: Uncertain significance (2). Last evaluated 2024-12-17.

Conditions:
Epileptic encephalopathy. Identifiers: MedGen C0543888, HP:0200134.

Allele frequency attached by ClinVar (database versions not stated): gnomAD 0.00004; gnomAD exomes 0.00004 and 0.00013; ExAC 0.00005; TOPMed 0.00005.
gnomAD v4.1: 186 of 1,613,758 alleles (0.012%); highest among the groups gnomAD compares: Non-Finnish European, 0.015%; no homozygotes.

Submissions (2):

Ambry Genetics
Classification: Uncertain significance. Last evaluated: 2024-12-17. Review status: criteria provided, single submitter. Criteria: Ambry Variant Classification Scheme 2023. Collection method: clinical testing. Allele origin: germline.

Labcorp Genetics (formerly Invitae), Labcorp
Classification: Uncertain significance for Epileptic encephalopathy. Last evaluated: 2020-11-03. Review status: criteria provided, single submitter. Criteria: Invitae Variant Classification Sherloc (09022015). Collection method: clinical testing. Allele origin: germline.
Comment: In summary, the available evidence is currently insufficient to determine the role of this variant in disease. Therefore, it has been classified as a Variant of Uncertain Significance. Algorithms developed to predict the effect of missense changes on protein structure and function are either unavailable or do not agree on the potential impact of this missense change (SIFT: "Deleterious"; PolyPhen-2: "Benign"; Align-GVGD: "Class C0"). This variant has not been reported in the literature in individuals with RYR3-related conditions. This variant is present in population databases (rs766980461, ExAC 0.01%). This sequence change replaces methionine with valine at codon 3268 of the RYR3 protein (p.Met3268Val). The methionine residue is highly conserved and there is a small physicochemical difference between methionine and valine.

NM_001036.6(RYR3):c.9802A>G (p.Met3268Val)

Gene: RYR3 (ryanodine receptor 3; plus strand). Cytogenetic location: 15q14.
Variant type: single nucleotide variant.
Coding change: c.9802A>G on transcript NM_001036.6 (MANE Select); coding-DNA position 9802, A replaced by G.
Protein change: p.Met3268Val; replaces methionine 3268 with valine.
Molecular consequence: missense variant.
Genome position (GRCh38, 1-based): chr15:33,788,430, A>G. VCF-style: chr15-33788430-A-G. GRCh37 (hg19) VCF-style: chr15-34080631-A-G.
Other names: c.9802A>G, p.Met3268Val (NM_001243996.4); c.9802A>G (NM_001036.3); short protein forms M3268V.
Identifiers: ClinVar variation 963537 (VCV000963537.9), dbSNP rs766980461, ClinGen allele CA7460610.